The following is an entry in ClinVar:

NM_001376.5(DYNC1H1):c.13072G>A (p.Ala4358Thr)

Gene: DYNC1H1 (dynein cytoplasmic 1 heavy chain 1; plus strand). Cytogenetic location: 14q32.31.
Variant type: single nucleotide variant.
Coding change: c.13072G>A on transcript NM_001376.5 (MANE Select); coding-DNA position 13072, G replaced by A.
Protein change: p.Ala4358Thr; replaces alanine 4358 with threonine.
Molecular consequence: missense variant.
Genome position (GRCh38, 1-based): chr14:102,047,882, G>A. VCF-style: chr14-102047882-G-A. GRCh37 (hg19) VCF-style: chr14-102514219-G-A.
Other names: short protein forms A4358T.
Identifiers: ClinVar variation 246279 (VCV000246279.21), dbSNP rs547205132, ClinGen allele CA7354139.
Genomic context (GRCh38, chr14:102,047,882, plus strand): 5'-GACATGATCAGTAAAATGCTGAAGATGCAGATGTTGGAGGATGAGGACGACCTGGCCTAC[G>A]CAGAGACTGAGAAGAAGACGAGGACAGACTCCACGTCCGACGGGCGCCCTGCCTGGATGC-3'
Protein context (NP_001367.2, residues 4348-4368): MLEDEDDLAY[Ala4358Thr]ETEKKTRTDS

ClinVar aggregate classification (germline): Conflicting classifications of pathogenicity. Review status: criteria provided, conflicting classifications (1 of 4 stars). 5 submissions from 5 submitters: Uncertain significance (3); Likely benign (2). Last evaluated 2026-02-02.

Conditions:
DYNC1H1-related disorder. Also called: DYNC1H1-related condition; DYNC1H1-related disorders. Identifiers: MedGen CN381529.
Inborn genetic diseases. Identifiers: MedGen C0950123, MeSH D030342.
Charcot-Marie-Tooth disease axonal type 2O. Also called: CHARCOT-MARIE-TOOTH NEUROPATHY, AXONAL, TYPE 2O; CHARCOT-MARIE-TOOTH DISEASE, AXONAL, AUTOSOMAL DOMINANT, TYPE 2O; Charcot-Marie-Tooth Neuropathy Type 2O; Charcot-Marie-Tooth disease, axonal, type 20. Identifiers: Orphanet 284232, MedGen C3280220, MONDO:0013644, OMIM 614228.

Allele frequency attached by ClinVar (database versions not stated): ExAC 0.00003; gnomAD exomes 0.00003; gnomAD 0.00006 and 0.00008; TOPMed 0.00008; 1000 Genomes Project 30x 0.00016; 1000 Genomes Project 0.00020.
gnomAD v4.1: 60 of 1,613,598 alleles (0.0037%); highest among the groups gnomAD compares: African/African-American, 0.0053%; no homozygotes.

Submissions (5):

Labcorp Genetics (formerly Invitae), Labcorp
Classification: Likely benign for Charcot-Marie-Tooth disease axonal type 2O. Last evaluated: 2026-02-02. Review status: criteria provided, single submitter. Criteria: Invitae Variant Classification Sherloc (09022015). Collection method: clinical testing. Allele origin: germline.

Ambry Genetics
Classification: Uncertain significance for Inborn genetic diseases. Last evaluated: 2025-11-12. Review status: criteria provided, single submitter. Criteria: Ambry Variant Classification Scheme 2023. Collection method: clinical testing. Allele origin: germline.
Comment: The c.13072G>A (p.A4358T) alteration is located in exon 73 (coding exon 73) of the DYNC1H1 gene. This alteration results from a G to A substitution at nucleotide position 13072, causing the alanine (A) at amino acid position 4358 to be replaced by a threonine (T). Based on data from gnomAD, the A allele has an overall frequency of 0.004% (11/282362) total alleles studied. The highest observed frequency was 0.014% (1/7218) of Other alleles. Based on insufficient or conflicting evidence, the clinical significance of this alteration remains unclear.

PreventionGenetics, part of Exact Sciences
Classification: Uncertain significance for DYNC1H1-related condition. Last evaluated: 2025-09-12. Review status: criteria provided, single submitter. Criteria: ACMG Guidelines, 2015. Collection method: clinical testing. Allele origin: germline.
Comment: The DYNC1H1 c.13072G>A variant is predicted to result in the amino acid substitution p.Ala4358Thr. This variant was reported as a variant of uncertain significance in an individual from a large cohort study of Charcot-Marie-Tooth disease; however, additional evidence was not provided (Volodarsky et al. 2021. PubMed ID: 32376792). This variant is reported in 0.0062% of alleles in individuals of European (non-Finnish) descent in gnomAD, which may be too frequent to be a primary cause of disease. Although we suspect this variant is benign, at this time, the clinical significance of this variant is uncertain due to the absence of conclusive functional and genetic evidence.

GeneDx
Classification: Likely benign. Last evaluated: 2017-11-08. Review status: criteria provided, single submitter. Criteria: GeneDx Variant Classification (06012015). Collection method: clinical testing. Allele origin: germline. Affected: yes.
Comment: This variant is considered likely benign or benign based on one or more of the following criteria: it is a conservative change, it occurs at a poorly conserved position in the protein, it is predicted to be benign by multiple in silico algorithms, and/or has population frequency not consistent with disease.

ARUP Laboratories, Molecular Genetics and Genomics, ARUP Laboratories
Classification: Uncertain significance. Last evaluated: 2017-01-30. Review status: criteria provided, single submitter. Criteria: ARUP Molecular Germline Variant Investigation Process. Collection method: clinical testing. Allele origin: germline.